The following is an entry in ClinVar:

ClinVar aggregate classification (germline): Uncertain significance. Review status: criteria provided, multiple submitters, no conflicts (2 of 4 stars). 3 submissions from 3 submitters: Uncertain significance (3). Last evaluated 2026-03-12.

Conditions:
PRKG1-related disorder. Also called: PRKG1-related condition.
Aortic aneurysm, familial thoracic 8 (AAT8). Identifiers: MedGen C3809513, MONDO:0014187, OMIM 615436.
Familial thoracic aortic aneurysm and aortic dissection (TAAD). Also called: Thoracic aortic aneurysms and dissections. Identifiers: Orphanet 91387, MedGen C4707243, MONDO:0019625.

Allele frequency attached by ClinVar (database versions not stated): gnomAD exomes below 0.00001; ExAC 0.00001; TOPMed 0.00002; gnomAD 0.00003.
gnomAD v4.1: 7 of 1,612,956 alleles (0.00043%); highest among the groups gnomAD compares: African/African-American, 0.0053%; no homozygotes.

Submissions (3):

PreventionGenetics, part of Exact Sciences
Classification: Uncertain significance for PRKG1-related condition. Last evaluated: 2026-03-12. Review status: criteria provided, single submitter. Criteria: ACMG Guidelines, 2015. Collection method: clinical testing. Allele origin: germline.
Comment: The PRKG1 c.2026C>T variant is predicted to result in the amino acid substitution p.Pro676Ser. To our knowledge, this variant has not been reported in the literature. This variant is reported in 0.0080% of alleles in individuals of African descent in gnomAD. At this time, the clinical significance of this variant is uncertain due to the absence of conclusive functional and genetic evidence.

Ambry Genetics
Classification: Uncertain significance for Familial thoracic aortic aneurysm and aortic dissection. Last evaluated: 2025-05-25. Review status: criteria provided, single submitter. Criteria: Ambry Variant Classification Scheme 2023. Collection method: clinical testing. Allele origin: germline.
Comment: The p.P676S variant (also known as c.2026C>T), located in coding exon 18 of the PRKG1 gene, results from a C to T substitution at nucleotide position 2026. The proline at codon 676 is replaced by serine, an amino acid with similar properties. This amino acid position is highly conserved in available vertebrate species. In addition, the in silico prediction for this alteration is inconclusive. Based on the available evidence, the clinical significance of this variant remains unclear.

Labcorp Genetics (formerly Invitae), Labcorp
Classification: Uncertain significance for Aortic aneurysm, familial thoracic 8. Last evaluated: 2024-10-15. Review status: criteria provided, single submitter. Criteria: Invitae Variant Classification Sherloc (09022015). Collection method: clinical testing. Allele origin: germline.
Comment: This sequence change replaces proline, which is neutral and non-polar, with serine, which is neutral and polar, at codon 676 of the PRKG1 protein (p.Pro676Ser). This variant is present in population databases (rs752789563, gnomAD 0.008%). This variant has not been reported in the literature in individuals affected with PRKG1-related conditions. ClinVar contains an entry for this variant (Variation ID: 2072343). An algorithm developed to predict the effect of missense changes on protein structure and function (PolyPhen-2) suggests that this variant is likely to be disruptive. In summary, the available evidence is currently insufficient to determine the role of this variant in disease. Therefore, it has been classified as a Variant of Uncertain Significance.

NM_006258.4(PRKG1):c.2026C>T (p.Pro676Ser)

Gene: PRKG1 (protein kinase cGMP-dependent 1; plus strand). Cytogenetic location: 10q21.1.
Variant type: single nucleotide variant.
Coding change: c.2026C>T on transcript NM_006258.4 (MANE Select); coding-DNA position 2026, C replaced by T.
Protein change: p.Pro676Ser; replaces proline 676 with serine.
Molecular consequence: missense variant.
Genome position (GRCh38, 1-based): chr10:52,293,865, C>T. VCF-style: chr10-52293865-C-T. GRCh37 (hg19) VCF-style: chr10-54053625-C-T.
Other names: c.2026C>T (NM_006258.3); c.1981C>T, p.Pro661Ser (NM_001098512.3); c.817C>T, p.Pro273Ser (NM_001374781.1); short protein forms P661S, P676S, P273S.
Identifiers: ClinVar variation 2072343 (VCV002072343.8), dbSNP rs752789563, ClinGen allele CA5504013.